The following is an entry in ClinVar:

ClinVar aggregate classification (germline): Uncertain significance. Review status: criteria provided, multiple submitters, no conflicts (2 of 4 stars). 3 submissions from 3 submitters: Uncertain significance (3). Last evaluated 2025-05-15.

Conditions:
Neurodegeneration with brain iron accumulation 6 (NBIA6). Also called: COASY protein-associated neurodegeneration. Identifiers: Orphanet 397725, MedGen C4517377, MONDO:0014290, OMIM 615643.

Allele frequency attached by ClinVar (database versions not stated): TOPMed 0.00002.
gnomAD v4.1: 5 of 1,613,060 alleles (0.00031%); highest among the groups gnomAD compares: Admixed American, 0.0033%; no homozygotes.

Submissions (3):

Ambry Genetics
Classification: Uncertain significance. Last evaluated: 2025-05-15. Review status: criteria provided, single submitter. Criteria: Ambry Variant Classification Scheme 2023. Collection method: clinical testing. Allele origin: germline.

GeneDx
Classification: Uncertain significance. Last evaluated: 2024-05-30. Review status: criteria provided, single submitter. Criteria: GeneDx Variant Classification Process June 2021. Collection method: clinical testing. Allele origin: germline. Affected: yes.
Comment: Not observed at significant frequency in large population cohorts (gnomAD); In silico analysis indicates that this missense variant does not alter protein structure/function; Has not been previously published as pathogenic or benign to our knowledge

Labcorp Genetics (formerly Invitae), Labcorp
Classification: Uncertain significance for Neurodegeneration with brain iron accumulation 6. Last evaluated: 2022-07-19. Review status: criteria provided, single submitter. Criteria: Invitae Variant Classification Sherloc (09022015). Collection method: clinical testing. Allele origin: germline.
Comment: In summary, the available evidence is currently insufficient to determine the role of this variant in disease. Therefore, it has been classified as a Variant of Uncertain Significance. Algorithms developed to predict the effect of missense changes on protein structure and function are either unavailable or do not agree on the potential impact of this missense change (SIFT: "Tolerated"; PolyPhen-2: "Probably Damaging"; Align-GVGD: "Class C0"). ClinVar contains an entry for this variant (Variation ID: 1401759). This variant has not been reported in the literature in individuals affected with COASY-related conditions. This variant is not present in population databases (gnomAD no frequency). This sequence change replaces alanine, which is neutral and non-polar, with serine, which is neutral and polar, at codon 206 of the COASY protein (p.Ala206Ser).

NM_025233.7(COASY):c.616G>T (p.Ala206Ser)

Gene: COASY (Coenzyme A synthase; plus strand). Cytogenetic location: 17q21.2.
Variant type: single nucleotide variant.
Coding change: c.616G>T on transcript NM_025233.7 (MANE Select); coding-DNA position 616, G replaced by T.
Protein change: p.Ala206Ser; replaces alanine 206 with serine.
Molecular consequence: missense variant.
Genome position (GRCh38, 1-based): chr17:42,563,238, G>T. VCF-style: chr17-42563238-G-T. GRCh37 (hg19) VCF-style: chr17-40715256-G-T.
Other names: c.616G>T (NM_025233.6); c.616G>T, p.Ala206Ser (NM_001042529.3); c.703G>T, p.Ala235Ser (NM_001042532.4); c.703G>T (NM_001042532.2); short protein forms A235S, A206S.
Identifiers: ClinVar variation 1401759 (VCV001401759.8), dbSNP rs1224711815, ClinGen allele CA399618633.